The following is an entry in ClinVar:

NM_000059.4(BRCA2):c.683A>T (p.Asn228Ile)

Gene: BRCA2 (BRCA2 DNA repair associated; plus strand). Cytogenetic location: 13q13.1.
Variant type: single nucleotide variant.
Coding change: c.683A>T on transcript NM_000059.4 (MANE Select); coding-DNA position 683, A replaced by T.
Protein change: p.Asn228Ile; replaces asparagine 228 with isoleucine.
Molecular consequence: missense variant.
Genome position (GRCh38, 1-based): chr13:32,330,920, A>T. VCF-style: chr13-32330920-A-T. GRCh37 (hg19) VCF-style: chr13-32905057-A-T.
Other names: short protein forms N228I.
Identifiers: ClinVar variation 495490 (VCV000495490.3), dbSNP rs398122566, ClinGen allele CA387759838.
Genomic context (GRCh38, chr13:32,330,920, plus strand): 5'-ACTACTATATGTGCATTGAGAGTTTTTATACTAGTGATTTTAAACTATAATTTTTGCAGA[A>T]TGTGAAAAGCTATTTTTCCAATCATGATGAAAGTCTGAAGAAAAATGATAGATTTATCGC-3'
Protein context (NP_000050.3, residues 218-238): ETVFPHDTTA[Asn228Ile]VKSYFSNHDE

ClinVar aggregate classification (germline): Uncertain significance. Review status: criteria provided, multiple submitters, no conflicts (2 of 4 stars). 2 submissions from 2 submitters: Uncertain significance (2). Last evaluated 2024-02-06.

Conditions:
Hereditary breast ovarian cancer syndrome. Also called: Hereditary breast and/or ovarian cancer syndrome; BRCA1- and BRCA2-Associated Hereditary Breast and Ovarian Cancer; Breast and ovarian cancer; Hereditary breast and ovarian cancer; Hereditary breast and ovarian cancer syndrome; Hereditary breast and ovarian cancer syndrome (HBOC). Identifiers: Orphanet 145, MedGen C0677776, MeSH D061325, MONDO:0003582. Disease mechanism: loss of function.

Submissions (2):

Labcorp Genetics (formerly Invitae), Labcorp
Classification: Uncertain significance for Hereditary breast ovarian cancer syndrome. Last evaluated: 2024-02-06. Review status: criteria provided, single submitter. Criteria: Invitae Variant Classification Sherloc (09022015). Collection method: clinical testing. Allele origin: germline.
Comment: This sequence change replaces asparagine, which is neutral and polar, with isoleucine, which is neutral and non-polar, at codon 228 of the BRCA2 protein (p.Asn228Ile). This variant is not present in population databases (gnomAD no frequency). This variant has not been reported in the literature in individuals affected with BRCA2-related conditions. ClinVar contains an entry for this variant (Variation ID: 495490). Algorithms developed to predict the effect of missense changes on protein structure and function output the following: SIFT: "Not Available"; PolyPhen-2: "Benign"; Align-GVGD: "Not Available". The isoleucine amino acid residue is found in multiple mammalian species, which suggests that this missense change does not adversely affect protein function. In summary, the available evidence is currently insufficient to determine the role of this variant in disease. Therefore, it has been classified as a Variant of Uncertain Significance.

Women's Health and Genetics/Laboratory Corporation of America, LabCorp
Classification: Uncertain significance. Last evaluated: 2016-07-31. Review status: criteria provided, single submitter. Criteria: LabCorp Variant Classification Summary - May 2015. Collection method: clinical testing. Allele origin: germline.
Comment: Variant summary: The BRCA2 c.683A>T (p.Asn228Ile) variant causes a missense change involving a non-conserved nucleotide with 3/4 in silico programs (SNPs&GO not captured here) predict a "benign" outcome. In addition, the variant of interest is the second nucleotide of the 5' position of exon 9, therefore suggesting possible alteration to splicing, which 3/4 splicing prediction tools predict no significant alteration to splicing. However, these predictions have yet to be functionally assessed. The variant of interest was not observed in controls (ExAC, 1000 Gs or ESP), nor has it been to our knowledge, reported in affected individuals via publications and/or reputable databases/clinical laboratories. Therefore, taking all available lines of evidence into consideration, the variant of interest has been classified as a "Variant of Uncertain Significance (VUS)," until additional information becomes available.